The following is an entry in ClinVar:

NM_014444.5(TUBGCP4):c.888del (p.Gly297fs)

Gene: TUBGCP4 (tubulin gamma complex component 4; plus strand). Cytogenetic location: 15q15.3.
Variant type: Deletion.
Coding change: c.888del on transcript NM_014444.5 (MANE Select); coding-DNA position 888, one base deleted (A; older notation c.888delA).
Protein change: p.Gly297fs; shifts the reading frame from glycine 297.
Molecular consequence: frameshift variant.
Genome position (GRCh38, 1-based): chr15:43,385,955, A deleted; the last of 4 consecutive A bases (chr15:43,385,952-43,385,955); deleting any one gives the same sequence. VCF-style (leftmost placement, unchanged base first): chr15-43385951-GA-G. GRCh37 (hg19) VCF-style: chr15-43678149-GA-G.
Other names: c.888del, p.Gly297fs (NM_001286414.3); short protein forms G297fs.
Identifiers: ClinVar variation 1962033 (VCV001962033.5), dbSNP rs1303033636, ClinGen allele CA618003740.

ClinVar aggregate classification (germline): Pathogenic (1 of 4 stars; one submission).

Submission:

Labcorp Genetics (formerly Invitae), Labcorp
Classification: Pathogenic. Last evaluated: 2022-09-22. Review status: criteria provided, single submitter. Criteria: Invitae Variant Classification Sherloc (09022015). Collection method: clinical testing. Allele origin: germline.
Comment: This variant is present in population databases (no rsID available, gnomAD 0.0009%). This variant has not been reported in the literature in individuals affected with TUBGCP4-related conditions. For these reasons, this variant has been classified as Pathogenic. This sequence change creates a premature translational stop signal (p.Gly297Aspfs*4) in the TUBGCP4 gene. It is expected to result in an absent or disrupted protein product. Loss-of-function variants in TUBGCP4 are known to be pathogenic (PMID: 25817018).

Literature cited by the submitters: PubMed 25817018.